The following is an entry in ClinVar:

NM_001792.5(CDH2):c.1717G>A (p.Ala573Thr)

Gene: CDH2 (cadherin 2; minus strand). Cytogenetic location: 18q12.1.
Variant type: single nucleotide variant.
Coding change: c.1717G>A on transcript NM_001792.5 (MANE Select); coding-DNA position 1717, G replaced by A.
Protein change: p.Ala573Thr; replaces alanine 573 with threonine.
Molecular consequence: missense variant.
Genome position (GRCh38, 1-based): chr18:27,988,548, C>T on the plus strand (G>A on the coding strand, the complement: CDH2 is on the minus strand). VCF-style: chr18-27988548-C-T. GRCh37 (hg19) VCF-style: chr18-25568512-C-T.
Other names: c.1624G>A, p.Ala542Thr (NM_001308176.2); short protein forms A573T, A542T.
Identifiers: ClinVar variation 3686177 (VCV003686177.3).

ClinVar aggregate classification (germline): Uncertain significance. Review status: criteria provided, multiple submitters, no conflicts (2 of 4 stars). 2 submissions from 2 submitters: Uncertain significance (2). Last evaluated 2024-08-14.

gnomAD v4.1: 4 of 1,613,144 alleles (0.00025%); highest among the groups gnomAD compares: Non-Finnish European, 0.00017%; no homozygotes.

Submissions (2):

Labcorp Genetics (formerly Invitae), Labcorp
Classification: Uncertain significance. Last evaluated: 2024-08-14. Review status: criteria provided, single submitter. Criteria: Invitae Variant Classification Sherloc (09022015). Collection method: clinical testing. Allele origin: germline.
Comment: This sequence change replaces alanine, which is neutral and non-polar, with threonine, which is neutral and polar, at codon 573 of the CDH2 protein (p.Ala573Thr). This variant is present in population databases (no rsID available, gnomAD 0.03%). This variant has not been reported in the literature in individuals affected with CDH2-related conditions. An algorithm developed to predict the effect of missense changes on protein structure and function (PolyPhen-2) suggests that this variant is likely to be disruptive. In summary, the available evidence is currently insufficient to determine the role of this variant in disease. Therefore, it has been classified as a Variant of Uncertain Significance.

Blueprint Genetics
Classification: Uncertain significance. Last evaluated: 2021-04-23. Review status: criteria provided, single submitter. Criteria: ACMG Guidelines, 2015. Collection method: clinical testing. Allele origin: germline.